The following is an entry in ClinVar:

NM_001737.5(C9):c.787del (p.Ser263fs)

Gene: C9 (complement C9; minus strand). Cytogenetic location: 5p13.1.
Variant type: Deletion.
Coding change: c.787del on transcript NM_001737.5 (MANE Select); coding-DNA position 787, one base deleted (T; older notation c.787delT).
Protein change: p.Ser263fs; shifts the reading frame from serine 263.
Molecular consequence: frameshift variant.
Genome position (GRCh38, 1-based): chr5:39,315,858, A deleted on the plus strand (T on the coding strand, the reverse complement: C9 is on the minus strand); the first of 3 consecutive A bases (chr5:39,315,858-39,315,860); deleting any one gives the same sequence. VCF-style (leftmost placement, unchanged base first): chr5-39315857-GA-G. GRCh37 (hg19) VCF-style: chr5-39315959-GA-G.
Other names: short protein forms S263fs.
Identifiers: ClinVar variation 1074589 (VCV001074589.4), dbSNP rs1357217922, ClinGen allele CA810491469.

ClinVar aggregate classification (germline): Pathogenic (1 of 4 stars; one submission).

Submission:

Labcorp Genetics (formerly Invitae), Labcorp
Classification: Pathogenic. Last evaluated: 2024-02-20. Review status: criteria provided, single submitter. Criteria: Invitae Variant Classification Sherloc (09022015). Collection method: clinical testing. Allele origin: germline.
Comment: This sequence change creates a premature translational stop signal (p.Ser263Leufs*35) in the C9 gene. It is expected to result in an absent or disrupted protein product. Loss-of-function variants in C9 are known to be pathogenic (PMID: 9144525, 9570574). This variant is not present in population databases (gnomAD no frequency). This variant has not been reported in the literature in individuals affected with C9-related conditions. ClinVar contains an entry for this variant (Variation ID: 1074589). For these reasons, this variant has been classified as Pathogenic.

Literature cited by the submitters: PubMed 9144525; PubMed 9570574.